The following is an entry in ClinVar:

NM_016203.4(PRKAG2):c.168A>G (p.Gly56=)

Gene: PRKAG2 (protein kinase AMP-activated non-catalytic subunit gamma 2; minus strand). Cytogenetic location: 7q36.1.
Variant type: single nucleotide variant.
Coding change: c.168A>G on transcript NM_016203.4 (MANE Select); coding-DNA position 168, A replaced by G.
Protein change: p.Gly56=; no amino-acid change (glycine 56 retained).
Molecular consequence: synonymous variant. On other transcripts: intron variant (1).
Genome position (GRCh38, 1-based): chr7:151,786,488, T>C on the plus strand (A>G on the coding strand, the complement: PRKAG2 is on the minus strand). VCF-style: chr7-151786488-T-C. GRCh37 (hg19) VCF-style: chr7-151483574-T-C.
Other names: c.36A>G, p.Gly12= (NM_001040633.2, NM_001407024.1, NM_001407026.1 and 2 more transcripts); c.168A>G, p.Gly56= (NM_001407021.1, NM_001407022.1, NM_001407023.1 and 2 more transcripts); c.148+27928A>G (NM_001407032.1).
Identifiers: ClinVar variation 3072706 (VCV003072706.1), dbSNP rs2537960774, ClinGen allele CA458672088.

ClinVar aggregate classification (germline): Likely benign (1 of 4 stars; one submission).

Conditions:
Hypertrophic cardiomyopathy. Also called: HYPERTROPHIC MYOCARDIOPATHY. Identifiers: Orphanet 217569, MedGen C0007194, MeSH D002312, MONDO:0005045, HP:0001639.

Allele frequency attached by ClinVar (database versions not stated): gnomAD exomes below 0.00001.
gnomAD v4.1: 1 of 1,612,644 alleles (0.000062%); highest among the groups gnomAD compares: African/African-American, 0.0013%; no homozygotes.

Submission:

All of Us Research Program, National Institutes of Health
Classification: Likely benign for Hypertrophic cardiomyopathy. Last evaluated: 2023-08-15. Review status: criteria provided, single submitter. Criteria: ACMG Guidelines, 2015. Collection method: clinical testing. Allele origin: germline. Inheritance: Autosomal dominant inheritance. Observed: 1 variant allele, 1 heterozygote.
Comment: This study involves interpretation of variants in research participants for the purpose of population health screening. Participant phenotype was not available at the time of variant classification. Additional details can be found in publication PMID: 35346344, PMCID: PMC8962531